The following is an entry in ClinVar:

NM_006231.4(POLE):c.6142A>G (p.Ile2048Val)

Gene: POLE (DNA polymerase epsilon, catalytic subunit; minus strand). Cytogenetic location: 12q24.33.
Variant type: single nucleotide variant.
Coding change: c.6142A>G on transcript NM_006231.4 (MANE Select); coding-DNA position 6142, A replaced by G.
Protein change: p.Ile2048Val; replaces isoleucine 2048 with valine.
Molecular consequence: missense variant.
Genome position (GRCh38, 1-based): chr12:132,632,503, T>C on the plus strand (A>G on the coding strand, the complement: POLE is on the minus strand). VCF-style: chr12-132632503-T-C. GRCh37 (hg19) VCF-style: chr12-133209089-T-C.
Other names: c.6142A>G (NM_006231.2); short protein forms I2048V.
Identifiers: ClinVar variation 2087213 (VCV002087213.5), dbSNP rs2138461658, ClinGen allele CA387370084.
Genomic context (GRCh38, chr12:132,632,503, plus strand): 5'-GAGTGATGGTGAAGAAGCTCTGAGTGAGCTCATTTGCGACATAATCCTGAGAGAAGGTGA[T>C]CATTCCTGGAAGTATAAGGATGCTGAGGGAGGGGTCTGGGACCTGTCTGGCACTGGGGAC-3'
Protein context (NP_006222.2, residues 2038-2058): EGAVGALPGM[Ile2048Val]TFSQDYVANE

ClinVar aggregate classification (germline): Uncertain significance. Review status: criteria provided, multiple submitters, no conflicts (2 of 4 stars). 2 submissions from 2 submitters: Uncertain significance (2). Last evaluated 2025-10-25.

Conditions:
Hereditary cancer-predisposing syndrome. Also called: Tumor predisposition; Hereditary Cancer Syndrome; Hereditary neoplastic syndrome; Neoplastic Syndromes, Hereditary. Identifiers: Orphanet 140162, MedGen C0027672, MeSH D009386, MONDO:0015356.

Submissions (2):

Ambry Genetics
Classification: Uncertain significance for Hereditary cancer-predisposing syndrome. Last evaluated: 2025-10-25. Review status: criteria provided, single submitter. Criteria: Ambry Variant Classification Scheme 2023. Collection method: clinical testing. Allele origin: germline.
Comment: The p.I2048V variant (also known as c.6142A>G), located in coding exon 45 of the POLE gene, results from an A to G substitution at nucleotide position 6142. The isoleucine at codon 2048 is replaced by valine, an amino acid with highly similar properties. This amino acid position is conserved. In addition, this alteration is predicted to be tolerated by in silico analysis. Based on the available evidence, the clinical significance of this variant remains unclear.

Labcorp Genetics (formerly Invitae), Labcorp
Classification: Uncertain significance. Last evaluated: 2022-01-17. Review status: criteria provided, single submitter. Criteria: Invitae Variant Classification Sherloc (09022015). Collection method: clinical testing. Allele origin: germline.
Comment: In summary, the available evidence is currently insufficient to determine the role of this variant in disease. Therefore, it has been classified as a Variant of Uncertain Significance. Algorithms developed to predict the effect of missense changes on protein structure and function output the following: SIFT: "Tolerated"; PolyPhen-2: "Benign"; Align-GVGD: "Class C0". The valine amino acid residue is found in multiple mammalian species, which suggests that this missense change does not adversely affect protein function. This variant has not been reported in the literature in individuals affected with POLE-related conditions. This variant is not present in population databases (gnomAD no frequency). This sequence change replaces isoleucine, which is neutral and non-polar, with valine, which is neutral and non-polar, at codon 2048 of the POLE protein (p.Ile2048Val).